The following is an entry in ClinVar:

NM_005629.4(SLC6A8):c.912+9G>A

Gene: SLC6A8 (solute carrier family 6 member 8; plus strand). Cytogenetic location: Xq28.
Variant type: single nucleotide variant.
Coding change: c.912+9G>A on transcript NM_005629.4 (MANE Select); 9 bases into the intron after coding-DNA position 912, G replaced by A.
Molecular consequence: intron variant.
Genome position (GRCh38, 1-based): chrX:153,693,184, G>A. VCF-style: chrX-153693184-G-A. GRCh37 (hg19) VCF-style: chrX-152958639-G-A.
Other names: c.912+9G>A (NM_001142805.2); c.567+9G>A (NM_001142806.1).
Identifiers: ClinVar variation 383888 (VCV000383888.14), dbSNP rs782694291, ClinGen allele CA10549344.

ClinVar aggregate classification (germline): Benign. Review status: reviewed by expert panel (3 of 4 stars). 4 submissions from 4 submitters: Benign (1). 3 of the submissions do not count toward it. Last evaluated 2022-06-06.

Conditions:
Creatine transporter deficiency (CCDS1). Also called: SLC6A8-Related Creatine Transporter Deficiency; CREATINE TRANSPORTER DEFECT; CEREBRAL CREATINE DEFICIENCY SYNDROME 1; Mental retardation , X-linked with seizures, short stature and midface hypoplasia; Mental retardation , X-linked, with creatine transport deficiency; X-linked creatine transporter deficiency. Identifiers: Orphanet 52503, MedGen C1845862, MONDO:0010305, OMIM 300352.

Allele frequency attached by ClinVar (database versions not stated): gnomAD 0.00010; gnomAD exomes 0.00012 and 0.00062; TOPMed 0.00025; ExAC 0.00056.
gnomAD v4.1: 134 of 1,209,950 alleles (0.011%); highest among the groups gnomAD compares: Admixed American, 0.29%; 2 homozygotes.

Submissions (4):

ClinGen Cerebral Creatine Deficiency Syndromes Variant Curation Expert Panel, ClinGen
Classification: Benign for Creatine transporter deficiency. Last evaluated: 2022-06-06. Review status: reviewed by expert panel. Criteria: ClinGen_CCDS_ACMG_Specifications_SLC6A8_v1.1. Collection method: curation. Allele origin: germline. Inheritance: X-linked inheritance.
Comment: The NM_005629.4:c.912+9G>A variant in SLC6A8 is in the region of the donor splice site of intron 5. The highest population minor allele frequency in gnomAD v2.1.1 is 0.004083 in the Latino/Admixed American population, meeting the ClinGen CCDS VCEP allele frequency threshold for BS1 (>0.0002) (BS1). The variant is present in 25 hemizygotes and 2 homozygotes in gnomAD v2.1.1 (BS2). The computational predictor, SpliceAI, predicts that the variant has no impact on splicing, and varSEAK indicates an unknown effect on splicing due to possible strengthening of a cryptic splice site in intron 5. To our knowledge, this variant has not been reported in any patients with features of creatine transporter deficiency the literature and no results of functional or splicing assays are unavailable. There is a ClinVar entry for this variant (Variation ID: 383888). In summary, this variant meets the criteria to be classified as benign for creatine transporter deficiency. SLC6A8-specific ACMG-AMP criteria applied, as specified by the ClinGen CCDS VCEP (Specifications Version 1.1.0): BS1, BS2. (Classification approved by the ClinGen CCDS VCEP on June 6, 2022).

Labcorp Genetics (formerly Invitae), Labcorp
Classification: Benign for Creatine transporter deficiency. Last evaluated: 2026-01-19. Review status: criteria provided, single submitter. Criteria: Invitae Variant Classification Sherloc (09022015). Collection method: clinical testing. Allele origin: germline. Not counted in ClinVar's aggregate classification.

Athena Diagnostics
Classification: Benign. Last evaluated: 2024-09-26. Review status: criteria provided, single submitter. Criteria: Athena Diagnostics Criteria. Collection method: clinical testing. Allele origin: unknown. Not counted in ClinVar's aggregate classification.

GeneDx
Classification: Likely benign. Last evaluated: 2017-10-26. Review status: criteria provided, single submitter. Criteria: GeneDx Variant Classification (06012015). Collection method: clinical testing. Allele origin: germline. Affected: yes. Not counted in ClinVar's aggregate classification.
Comment: This variant is considered likely benign or benign based on one or more of the following criteria: it is a conservative change, it occurs at a poorly conserved position in the protein, it is predicted to be benign by multiple in silico algorithms, and/or has population frequency not consistent with disease.